The following is an entry in ClinVar:

ClinVar aggregate classification (germline): Pathogenic (1 of 4 stars; one submission).

Conditions:
Hereditary hemorrhagic telangiectasia (HHT). Also called: ORW DISEASE; Osler Weber Rendu syndrome; OSLER-RENDU-WEBER DISEASE; Osler hemorrhagic telangiectasia syndrome. Identifiers: Orphanet 774, MedGen C0039445, MONDO:0019180. Disease mechanism: loss of function.

Submission:

Labcorp Genetics (formerly Invitae), Labcorp
Classification: Pathogenic for Hereditary hemorrhagic telangiectasia. Last evaluated: 2022-12-12. Review status: criteria provided, single submitter. Criteria: Invitae Variant Classification Sherloc (09022015). Collection method: clinical testing. Allele origin: germline.
Comment: For these reasons, this variant has been classified as Pathogenic. This variant has not been reported in the literature in individuals affected with ENG-related conditions. This variant is not present in population databases (gnomAD no frequency). This sequence change creates a premature translational stop signal (p.Leu14Argfs*29) in the ENG gene. It is expected to result in an absent or disrupted protein product. Loss-of-function variants in ENG are known to be pathogenic (PMID: 15879500).

Literature cited by the submitters: PubMed 15879500.

NM_001114753.3(ENG):c.41del (p.Leu14fs)

Gene: ENG (endoglin; minus strand). Cytogenetic location: 9q34.11.
Variant type: Deletion.
Coding change: c.41del on transcript NM_001114753.3 (MANE Select); coding-DNA position 41, one base deleted (T; older notation c.41delT).
Protein change: p.Leu14fs; shifts the reading frame from leucine 14.
Molecular consequence: frameshift variant.
Genome position (GRCh38, 1-based): chr9:127,854,315, A deleted on the plus strand (T on the coding strand, the reverse complement: ENG is on the minus strand). VCF-style (leftmost placement, unchanged base first): chr9-127854314-CA-C. GRCh37 (hg19) VCF-style: chr9-130616593-CA-C.
Other names: c.41del, p.Leu14fs (NM_000118.4, NM_001406715.1); short protein forms L14fs.
Identifiers: ClinVar variation 2820353 (VCV002820353.3), dbSNP rs2539126370, ClinGen allele CA2739264801.